The following is an entry in ClinVar:

ClinVar aggregate classification (germline): Conflicting classifications of pathogenicity. Review status: criteria provided, conflicting classifications (1 of 4 stars). 2 submissions from 2 submitters: Likely pathogenic (1); Uncertain significance (1). Last evaluated 2025-12-17.

Conditions:
Gaucher disease. Also called: Acute cerebral Gaucher disease; Cerebroside lipidosis syndrome; Gaucher splenomegaly; Sphingolipidosis 1; Glucocerebrosidosis; Glucosylceramidase deficiency. Identifiers: Orphanet 355, MedGen C0017205, MONDO:0018150.

Submissions (2):

Natera, Inc.
Classification: Likely pathogenic for Gaucher disease. Last evaluated: 2025-12-17. Review status: criteria provided, single submitter. Criteria: Natera Variant Classification Schema (03/2026). Collection method: clinical testing. Allele origin: germline.
Comment: The c.1171G>A variant in GBA1 is a missense variant predicted to cause substitution of valine to methionine at amino acid 391. This variant is rare in the general population with a frequency below the threshold expected for the associated phenotype(s). This variant has been observed in one or more individuals affected with the associated recessive disease, as either homozygous or compound heterozygous with a second variant (PMID: 37685353, 33301762). A different variant at the same position has been determined to be Pathogenic or Likely Pathogenic. Computational prediction algorithms indicate this variant is likely to affect gene or protein function. Given the available evidence, this variant is classified as Likely Pathogenic.

Revvity Omics, Revvity
Classification: Uncertain significance. Last evaluated: 2022-07-28. Review status: criteria provided, single submitter. Criteria: ACMG Guidelines, 2015. Collection method: clinical testing. Allele origin: germline.

Literature cited by the submitters: PubMed 37685353 (cited by Natera, Inc.); PubMed 33301762 (cited by Natera, Inc.).

NM_000157.4(GBA1):c.1171G>A (p.Val391Met)

Genes: GBA1 (glucosylceramidase beta 1; minus strand), LOC106627981 (GBA recombination region; plus strand). Cytogenetic location: 1q22.
Variant type: single nucleotide variant.
Coding change: c.1171G>A on transcript NM_000157.4 (MANE Select); coding-DNA position 1171, G replaced by A.
Protein change: p.Val391Met; replaces valine 391 with methionine.
Molecular consequence: missense variant.
Genome position (GRCh38, 1-based): chr1:155,236,298, C>T on the plus strand (G>A on the coding strand, the complement: GBA1 is on the minus strand). VCF-style: chr1-155236298-C-T. GRCh37 (hg19) VCF-style: chr1-155206089-C-T.
Other names: c.1171G>A (NM_000157.3); c.1171G>A, p.Val391Met (NM_001005741.3, NM_001005742.3); c.910G>A, p.Val304Met (NM_001171811.2); c.1024G>A, p.Val342Met (NM_001171812.2); short protein forms V304M, V342M, V391M.
Identifiers: ClinVar variation 2432069 (VCV002432069.4), dbSNP rs398123527, ClinGen allele CA342715135.
Genomic context (GRCh38, chr1:155,236,298, plus strand): 5'-GGCTTACCGTGATGATGCTGTGGCTGTACTGCATCCCTCGATCCCAGGAGCCTAGCCGCA[C>T]ACTCTGCTCCCAGAACTTGGAGCCCACACAGGCCTCTGAGGCAAAGAGCATGGTGTTGGG-3'
Protein context (NP_000148.2, residues 381-401): CVGSKFWEQS[Val391Met]RLGSWDRGMQ